The following is an entry in ClinVar:

NM_001103.4(ACTN2):c.2129A>G (p.Asn710Ser)

Gene: ACTN2 (actinin alpha 2; plus strand). Cytogenetic location: 1q43.
Variant type: single nucleotide variant.
Coding change: c.2129A>G on transcript NM_001103.4 (MANE Select); coding-DNA position 2129, A replaced by G.
Protein change: p.Asn710Ser; replaces asparagine 710 with serine.
Molecular consequence: missense variant. On other transcripts: non-coding transcript variant (1).
Genome position (GRCh38, 1-based): chr1:236,755,173, A>G. VCF-style: chr1-236755173-A-G. GRCh37 (hg19) VCF-style: chr1-236918473-A-G.
Other names: c.2129A>G, p.Asn710Ser (NM_001278343.2); short protein forms N710S.
Identifiers: ClinVar variation 4790690 (VCV004790690.2).

ClinVar aggregate classification (germline): Uncertain significance. Review status: criteria provided, multiple submitters, no conflicts (2 of 4 stars). 2 submissions from 2 submitters: Uncertain significance (2). Last evaluated 2025-10-03.

Conditions:
Dilated cardiomyopathy 1AA (CMD1AA). Also called: CARDIOMYOPATHY, DILATED, 1AA, WITH OR WITHOUT LEFT VENTRICULAR NONCOMPACTION; CARDIOMYOPATHY, FAMILIAL HYPERTROPHIC, 23, WITH OR WITHOUT LEFT VENTRICULAR NONCOMPACTION; Cardiomyopathy, dilated, 1AA, with or without LVNC. Identifiers: Orphanet 154, MedGen C2677338, MONDO:0012808, OMIM 612158.
Primary familial hypertrophic cardiomyopathy (HCM). Identifiers: Orphanet 99739, MedGen C0949658, MeSH D024741, MONDO:0024573. Inheritance: Various modes of inheritance.

Submissions (2):

Labcorp Genetics (formerly Invitae), Labcorp
Classification: Uncertain significance for Primary familial hypertrophic cardiomyopathy; Dilated cardiomyopathy 1AA. Last evaluated: 2025-10-03. Review status: criteria provided, single submitter. Criteria: Invitae Variant Classification Sherloc (09022015). Collection method: clinical testing. Allele origin: germline.
Comment: This sequence change replaces asparagine, which is neutral and polar, with serine, which is neutral and polar, at codon 710 of the ACTN2 protein (p.Asn710Ser). This variant is present in population databases (rs199535709, gnomAD 0.03%). This variant has not been reported in the literature in individuals affected with ACTN2-related conditions. Invitae Evidence Modeling of protein sequence and biophysical properties (such as structural, functional, and spatial information, amino acid conservation, physicochemical variation, residue mobility, and thermodynamic stability) indicates that this missense variant is not expected to disrupt ACTN2 protein function with a negative predictive value of 80%. In summary, the available evidence is currently insufficient to determine the role of this variant in disease. Therefore, it has been classified as a Variant of Uncertain Significance.

Blueprint Genetics
Classification: Uncertain significance. Last evaluated: 2024-05-28. Review status: criteria provided, single submitter. Criteria: ACMG Guidelines, 2015. Collection method: clinical testing. Allele origin: germline.